The following is an entry in ClinVar:

NM_004260.4(RECQL4):c.3565C>G (p.His1189Asp)

Gene: RECQL4 (RecQ like helicase 4; minus strand). Cytogenetic location: 8q24.3.
Variant type: single nucleotide variant.
Coding change: c.3565C>G on transcript NM_004260.4 (MANE Select); coding-DNA position 3565, C replaced by G.
Protein change: p.His1189Asp; replaces histidine 1189 with aspartic acid.
Molecular consequence: missense variant.
Genome position (GRCh38, 1-based): chr8:144,511,493, G>C on the plus strand (C>G on the coding strand, the complement: RECQL4 is on the minus strand). VCF-style: chr8-144511493-G-C. GRCh37 (hg19) VCF-style: chr8-145736876-G-C.
Other names: c.2494C>G, p.His832Asp (NM_001413034.1, NM_001413035.1, NM_001413040.1 and 4 more transcripts); c.3574C>G, p.His1192Asp (NM_001413036.1); c.2362C>G, p.His788Asp (NM_001413037.1); c.2296C>G, p.His766Asp (NM_001413038.1, NM_001413031.1); c.3535C>G, p.His1179Asp (NM_001413039.1); c.2503C>G, p.His835Asp (NM_001413041.1); c.2464C>G, p.His822Asp (NM_001413042.1); c.2098C>G, p.His700Asp (NM_001413043.1); and 9 more; short protein forms H1146D, H1157D, H1189D, H857D, H1123D, H1214D, H700D, H766D.
Identifiers: ClinVar variation 2092437 (VCV002092437.4), dbSNP rs745930478, ClinGen allele CA372665806.

ClinVar aggregate classification (germline): Uncertain significance (1 of 4 stars; one submission).

Conditions:
Baller-Gerold syndrome (BGS). Also called: CRANIOSYNOSTOSIS WITH RADIAL DEFECTS. Identifiers: Orphanet 1225, MedGen C0265308, MONDO:0009039, OMIM 218600.

gnomAD v4.1: 4 of 1,612,648 alleles (0.00025%); highest among the groups gnomAD compares: East Asian, 0.0089%; no homozygotes.

Submission:

Labcorp Genetics (formerly Invitae), Labcorp
Classification: Uncertain significance for Baller-Gerold syndrome. Last evaluated: 2023-10-11. Review status: criteria provided, single submitter. Criteria: Invitae Variant Classification Sherloc (09022015). Collection method: clinical testing. Allele origin: germline.
Comment: This sequence change replaces histidine, which is basic and polar, with aspartic acid, which is acidic and polar, at codon 1189 of the RECQL4 protein (p.His1189Asp). This variant is not present in population databases (gnomAD no frequency). This variant has not been reported in the literature in individuals affected with RECQL4-related conditions. ClinVar contains an entry for this variant (Variation ID: 2092437). Advanced modeling of protein sequence and biophysical properties (such as structural, functional, and spatial information, amino acid conservation, physicochemical variation, residue mobility, and thermodynamic stability) performed at Invitae indicates that this missense variant is not expected to disrupt RECQL4 protein function. In summary, the available evidence is currently insufficient to determine the role of this variant in disease. Therefore, it has been classified as a Variant of Uncertain Significance.